The following is an entry in ClinVar:

NM_013318.4(PRRC2B):c.745G>A (p.Asp249Asn)

Gene: PRRC2B (proline rich coiled-coil 2B; plus strand). Cytogenetic location: 9q34.13.
Variant type: single nucleotide variant.
Coding change: c.745G>A on transcript NM_013318.4 (MANE Select); coding-DNA position 745, G replaced by A.
Protein change: p.Asp249Asn; replaces aspartic acid 249 with asparagine.
Molecular consequence: missense variant.
Genome position (GRCh38, 1-based): chr9:131,446,532, G>A. VCF-style: chr9-131446532-G-A. GRCh37 (hg19) VCF-style: chr9-134321919-G-A.
Other names: c.745G>A, p.Asp249Asn (NM_001384818.1, NM_001384821.1, NM_001384822.1 and 1 more transcripts); c.745G>A (NM_013318.3); short protein forms D249N.
Identifiers: ClinVar variation 3025264 (VCV003025264.23), dbSNP rs536522617, ClinGen allele CA5291262.

ClinVar aggregate classification (germline): Conflicting classifications of pathogenicity. Review status: criteria provided, conflicting classifications (1 of 4 stars). 2 submissions from 2 submitters: Uncertain significance (1); Likely benign (1). Last evaluated 2025-09-04.

Allele frequency attached by ClinVar (database versions not stated): TOPMed 0.00002; gnomAD 0.00003; gnomAD exomes 0.00003; ExAC 0.00009.

Submissions (2):

Ambry Genetics
Classification: Uncertain significance. Last evaluated: 2025-09-04. Review status: criteria provided, single submitter. Criteria: Ambry Variant Classification Scheme 2023. Collection method: clinical testing. Allele origin: germline.

CeGaT Center for Human Genetics Tuebingen
Classification: Likely benign. Last evaluated: 2024-01-01. Review status: criteria provided, single submitter. Criteria: CeGaT Center For Human Genetics Tuebingen Variant Classification Criteria Version 2. Collection method: clinical testing. Allele origin: germline. Affected: yes. Observed: 1 variant allele.
Comment: PRRC2B: BP4